The following is an entry in ClinVar:

ClinVar aggregate classification (germline): Likely benign. Review status: criteria provided, multiple submitters, no conflicts (2 of 4 stars). 2 submissions from 2 submitters: Likely benign (2). Last evaluated 2025-03-09.

Conditions:
Renal cell carcinoma. Identifiers: Orphanet 217071, MedGen C0007134, MeSH D002292, MONDO:0005086, HP:0005584.
Papillary renal cell carcinoma type 1 (RCCP1). Also called: RENAL CELL CARCINOMA, PAPILLARY, 1, SOMATIC; Renal adenocarcinoma; Renal cell carcinoma 1; Renal cell carcinoma, somatic. Identifiers: Orphanet 47044, MedGen C1336839, OMIM 605074, HP:0011797.

Allele frequency attached by ClinVar (database versions not stated): ExAC 0.00001.

Submissions (2):

Labcorp Genetics (formerly Invitae), Labcorp
Classification: Likely benign for Renal cell carcinoma. Last evaluated: 2025-03-09. Review status: criteria provided, single submitter. Criteria: Invitae Variant Classification Sherloc (09022015). Collection method: clinical testing. Allele origin: germline.

Myriad Genetics, Inc.
Classification: Likely benign for Papillary renal cell carcinoma type 1. Last evaluated: 2024-11-07. Review status: criteria provided, single submitter. Criteria: Myriad Autosomal Dominant, Autosomal Recessive and X-Linked Classification Criteria (2023). Collection method: clinical testing. Allele origin: unknown.
Comment: This variant is considered likely benign. This variant is intronic and is not expected to impact mRNA splicing.

NM_000245.4(MET):c.1200+9C>T

Gene: MET (MET proto-oncogene, receptor tyrosine kinase; plus strand). Cytogenetic location: 7q31.2.
Variant type: single nucleotide variant.
Coding change: c.1200+9C>T on transcript NM_000245.4 (MANE Select); 9 bases into the intron after coding-DNA position 1200, C replaced by T.
Molecular consequence: intron variant.
Genome position (GRCh38, 1-based): chr7:116,700,293, C>T. VCF-style: chr7-116700293-C-T. GRCh37 (hg19) VCF-style: chr7-116340347-C-T.
Other names: c.1200+9C>T (NM_001127500.3, NM_001324401.3); c.-91+27716C>T (NM_001324402.2).
Identifiers: ClinVar variation 1928329 (VCV001928329.6), dbSNP rs777553893, ClinGen allele CA4448084.
Genomic context (GRCh38, chr7:116,700,293, plus strand): 5'-GAGATGTCTCCAGCATTTTTACGGACCCAATCATGAGCACTGCTTTAATAGGGTAAGTCA[C>T]ATCAGTTCCCCACTTATAAACTGTGAGGTATAAATTAGAAATAAGTATCAGTCTCAAAAA-3'